The following is an entry in ClinVar:

ClinVar aggregate classification (germline): Pathogenic/Likely pathogenic. Review status: criteria provided, multiple submitters, no conflicts (2 of 4 stars). 2 submissions from 2 submitters: Pathogenic (1); Likely pathogenic (1). Last evaluated 2019-06-22.

Conditions:
Emery-Dreifuss muscular dystrophy 4, autosomal dominant (EDMD4). Also called: EMERY-DREIFUSS MUSCULAR DYSTROPHY 4 WITH VARIABLE FEATURES. Identifiers: Orphanet 261, MedGen C2751807, MONDO:0013071, OMIM 612998.
Autosomal recessive ataxia, Beauce type. Also called: ATAXIA, RECESSIVE, OF BEAUCE; SYNE1-Related Autosomal Recessive Cerebellar Ataxia; Spinocerebellar ataxia, autosomal recessive 8; SYNE1 Deficiency. Identifiers: Orphanet 88644, MedGen C1853116, MONDO:0012549, OMIM 610743.

Submissions (2):

Labcorp Genetics (formerly Invitae), Labcorp
Classification: Pathogenic for Emery-Dreifuss muscular dystrophy 4, autosomal dominant; Autosomal recessive ataxia, Beauce type. Last evaluated: 2019-06-22. Review status: criteria provided, single submitter. Criteria: Invitae Variant Classification Sherloc (09022015). Collection method: clinical testing. Allele origin: germline.
Comment: For these reasons, this variant has been classified as Pathogenic. Loss-of-function variants in SYNE1 are known to be pathogenic (PMID: 27086870). This variant has not been reported in the literature in individuals with SYNE1-related conditions. ClinVar contains an entry for this variant (Variation ID: 377101). This variant is not present in population databases (ExAC no frequency). This sequence change creates a premature translational stop signal (p.Tyr6562*) in the SYNE1 gene. It is expected to result in an absent or disrupted protein product.

Center for Pediatric Genomic Medicine, Children's Mercy Hospital and Clinics
Classification: Likely pathogenic. Last evaluated: 2016-07-06. Review status: criteria provided, single submitter. Criteria: ACMG Guidelines, 2015. Collection method: clinical testing. Allele origin: germline.

Literature cited by the submitters: PubMed 27086870 (cited by Labcorp Genetics (formerly Invitae), Labcorp).

NM_182961.4(SYNE1):c.19899C>G (p.Tyr6633Ter)

Gene: SYNE1 (spectrin repeat containing nuclear envelope protein 1; minus strand). Cytogenetic location: 6q25.2.
Variant type: single nucleotide variant.
Coding change: c.19899C>G on transcript NM_182961.4 (MANE Select); coding-DNA position 19899, C replaced by G.
Protein change: p.Tyr6633Ter; replaces tyrosine 6633 with a stop codon.
Molecular consequence: nonsense.
Genome position (GRCh38, 1-based): chr6:152,239,701, G>C on the plus strand (C>G on the coding strand, the complement: SYNE1 is on the minus strand). VCF-style: chr6-152239701-G-C. GRCh37 (hg19) VCF-style: chr6-152560836-G-C.
Other names: c.19686C>G, p.Tyr6562Ter (NM_033071.5); short protein forms Y6562*, Y6633*.
Identifiers: ClinVar variation 377101 (VCV000377101.9), dbSNP rs1057520134, ClinGen allele CA16603269.